The following is an entry in ClinVar:

NM_000182.5(HADHA):c.677-232A>G

Gene: HADHA (hydroxyacyl-CoA dehydrogenase trifunctional multienzyme complex subunit alpha; minus strand). Cytogenetic location: 2p23.3.
Variant type: single nucleotide variant.
Coding change: c.677-232A>G on transcript NM_000182.5 (MANE Select); 232 bases into the intron before coding-DNA position 677, A replaced by G.
Molecular consequence: intron variant.
Genome position (GRCh38, 1-based): chr2:26,215,407, T>C on the plus strand (A>G on the coding strand, the complement: HADHA is on the minus strand). VCF-style: chr2-26215407-T-C. GRCh37 (hg19) VCF-style: chr2-26438276-T-C.
Identifiers: ClinVar variation 681690 (VCV000681690.1), dbSNP rs962217, ClinGen allele CA11181511.

ClinVar aggregate classification (germline): Benign (1 of 4 stars; one submission).

Allele frequency attached by ClinVar (database versions not stated): gnomAD 0.82332 and 0.82481; TOPMed 0.83538; 1000 Genomes Project 0.85284; 1000 Genomes Project 30x 0.85587.
gnomAD v4.1: 125,125 of 152,132 alleles (82%); highest among the groups gnomAD compares: African/African-American, 93%; 51,813 homozygotes.

Submission:

GeneDx
Classification: Benign. Last evaluated: 2018-06-16. Review status: criteria provided, single submitter. Criteria: GeneDx Variant Classification (06012015). Collection method: clinical testing. Allele origin: germline. Affected: yes.
Comment: This variant is considered likely benign or benign based on one or more of the following criteria: it is a conservative change, it occurs at a poorly conserved position in the protein, it is predicted to be benign by multiple in silico algorithms, and/or has population frequency not consistent with disease.